The following is an entry in ClinVar:

ClinVar aggregate classification (germline): Pathogenic (1 of 4 stars; one submission).

Submission:

CeGaT Center for Human Genetics Tuebingen
Classification: Pathogenic. Last evaluated: 2025-08-01. Review status: criteria provided, single submitter. Criteria: CeGaT Center For Human Genetics Tuebingen Variant Classification Criteria Version 2. Collection method: clinical testing. Allele origin: germline. Affected: yes. Observed: 1 variant allele.
Comment: TSC2: PVS1, PM2

NM_000548.5(TSC2):c.2725del (p.Val909fs)

Gene: TSC2 (TSC complex subunit 2; plus strand). Cytogenetic location: 16p13.3.
Variant type: Deletion.
Coding change: c.2725del on transcript NM_000548.5 (MANE Select); coding-DNA position 2725, one base deleted (G; older notation c.2725delG).
Protein change: p.Val909fs; shifts the reading frame from valine 909.
Molecular consequence: frameshift variant. On other transcripts: non-coding transcript variant (5).
Genome position (GRCh38, 1-based): chr16:2,076,153, G deleted. VCF-style (leftmost placement, unchanged base first): chr16-2076152-TG-T. GRCh37 (hg19) VCF-style: chr16-2126153-TG-T.
Other names: c.2725del, p.Val909fs (NM_001077183.3, NM_001114382.3, NM_001363528.2 and 6 more transcripts); c.2614del, p.Val872fs (NM_001318827.2, NM_001406670.1, NM_001406678.1); c.2578del, p.Val860fs (NM_001318829.2, NM_001406675.1, NM_001406676.1 and 1 more transcripts); c.2713del, p.Val905fs (NM_001406671.1, NM_001406673.1); c.2668del, p.Val890fs (NM_001406677.1); c.2125del, p.Val709fs (NM_001406680.1, NM_001406682.1, NM_001406683.1 and 6 more transcripts); c.2263del, p.Val755fs (NM_001406681.1); c.1381del, p.Val461fs (NM_001406689.1, NM_001406690.1, NM_001406691.1 and 6 more transcripts); and 3 more; short protein forms V375fs, V461fs, V709fs, V755fs, V860fs, V872fs, V890fs, V905fs.
Identifiers: ClinVar variation 4085675 (VCV004085675.8).
Genomic context (GRCh38, chr16:2,076,152, plus strand): 5'-GGCCCATCACGTCATAGCCATGTGGTTCATCAGGTGCCGCCTGCCCTTCCGGAAGGATTT[TG>T]TCCCTTTCATCACTAAGGTGGGCTCAGGGCCGGTGAAGGCTGTGTCTCTCGGTAGGCCAG-3'